The following is an entry in ClinVar:

ClinVar aggregate classification (germline): Conflicting classifications of pathogenicity. Review status: criteria provided, conflicting classifications (1 of 4 stars). 2 submissions from 2 submitters: Likely pathogenic (1); Uncertain significance (1). Last evaluated 2023-09-07.

Conditions:
Macrothrombocytopenia and granulocyte inclusions with or without nephritis or sensorineural hearing loss (MATINS). Also called: BLEEDING DISORDER, PLATELET-TYPE, 6; MAY-HEGGLIN ANOMALY; DOHLE LEUKOCYTE INCLUSIONS WITH GIANT PLATELETS; MACROTHROMBOCYTOPENIA WITH LEUKOCYTE INCLUSIONS; MYH9-Related Disease (MYH9-RD); SEBASTIAN PLATELET SYNDROME. Identifiers: Orphanet 182050, MedGen C5200934, MONDO:0015912, OMIM 155100.
MYH9-related disorder. Identifiers: MedGen C1854520.

Submissions (2):

Blueprint Genetics
Classification: Likely pathogenic for MYH9-related disorders. Last evaluated: 2023-09-07. Review status: criteria provided, single submitter. Criteria: ACMG Guidelines, 2015. Collection method: clinical testing. Allele origin: germline. Affected: yes. Observed: 1 variant allele.

3billion
Classification: Uncertain significance for Macrothrombocytopenia and granulocyte inclusions with or without nephritis or sensorineural hearing loss. Last evaluated: 2023-02-23. Review status: criteria provided, single submitter. Criteria: ACMG Guidelines, 2015. Collection method: clinical testing. Allele origin: unknown. Affected: yes.
Comment: The variant is not observed in the gnomAD v2.1.1 dataset. Missense changes are a common disease-causing mechanism. In silico tool predictions suggest damaging effect of the variant on gene or gene product (REVEL: 0.42; 3Cnet: 0.99). A different missense change at the same codon (p.Arg814Gln) has been reported to be associated with MYH9-related disorder (PMID: 31937884). However the evidence of pathogenicity is insufficient at this time. Therefore, this variant is classified as VUS according to the recommendation of ACMG/AMP guideline.

Literature cited by the submitters: PubMed 31937884 (cited by 3billion).

NM_002473.6(MYH9):c.2440C>T (p.Arg814Trp)

Gene: MYH9 (myosin heavy chain 9; minus strand). Cytogenetic location: 22q12.3.
Variant type: single nucleotide variant.
Coding change: c.2440C>T on transcript NM_002473.6 (MANE Select); coding-DNA position 2440, C replaced by T.
Protein change: p.Arg814Trp; replaces arginine 814 with tryptophan.
Molecular consequence: missense variant.
Genome position (GRCh38, 1-based): chr22:36,302,627, G>A on the plus strand (C>T on the coding strand, the complement: MYH9 is on the minus strand). VCF-style: chr22-36302627-G-A. GRCh37 (hg19) VCF-style: chr22-36698673-G-A.
Other names: short protein forms R814W.
Identifiers: ClinVar variation 2444168 (VCV002444168.2), dbSNP rs2517972654, ClinGen allele CA411395097.
Genomic context (GRCh38, chr22:36,302,627, plus strand): 5'-CCTTGGTGAAGAGCCGCCACCACTGCCAGTTCCGCAGCTTCAGGTAGGCAGCGCAGTTCC[G>A]CTGGAGGACCTTCATGGCGGTAAGCTGCTGCTGCCGCTTGGCAAATGCTCTGTGTGGTGA-3'
Protein context (NP_002464.1, residues 804-824): QQLTAMKVLQ[Arg814Trp]NCAAYLKLRN